The following is an entry in ClinVar:

NM_001458.5(FLNC):c.1047+3A>G

Gene: FLNC (filamin C; plus strand). Cytogenetic location: 7q32.1.
Variant type: single nucleotide variant.
Coding change: c.1047+3A>G on transcript NM_001458.5 (MANE Select); 3 bases into the intron after coding-DNA position 1047, A replaced by G.
Molecular consequence: intron variant.
Genome position (GRCh38, 1-based): chr7:128,838,067, A>G. VCF-style: chr7-128838067-A-G. GRCh37 (hg19) VCF-style: chr7-128478121-A-G.
Other names: c.1047+3A>G (NM_001127487.2, NM_001458.4).
Identifiers: ClinVar variation 2104062 (VCV002104062.5), dbSNP rs2536620021, ClinGen allele CA2580076592.

ClinVar aggregate classification (germline): Uncertain significance. Review status: criteria provided, multiple submitters, no conflicts (2 of 4 stars). 2 submissions from 2 submitters: Uncertain significance (2). Last evaluated 2026-08-21.

Conditions:
Cardiovascular phenotype. Identifiers: MedGen CN230736.
Myofibrillar myopathy 5. Also called: Filaminopathy (type); FILAMINOPATHY, AUTOSOMAL DOMINANT. Identifiers: Orphanet 171445, MedGen C1836050, MONDO:0012289, OMIM 609524.
Hypertrophic cardiomyopathy 26. Also called: Cardiomyopathy, familial hypertrophic, 26. Identifiers: Orphanet 75249, MedGen C4310749, MONDO:0014883, OMIM 617047.
Distal myopathy with posterior leg and anterior hand involvement. Also called: WILLIAMS DISTAL MYOPATHY. Identifiers: Orphanet 63273, MedGen C3279722, MONDO:0013550, OMIM 614065.

gnomAD v4.1: 2 of 1,606,630 alleles (0.00012%); highest among the groups gnomAD compares: Non-Finnish European, 0.00017%; no homozygotes.

Submissions (2):

Ambry Genetics
Classification: Uncertain significance for Cardiovascular phenotype. Last evaluated: 2026-08-21. Review status: criteria provided, single submitter. Criteria: Ambry Variant Classification Scheme 2023. Collection method: clinical testing. Allele origin: germline.
Comment: The c.1047+3A>G intronic variant results from an A to G substitution 3 nucleotides after coding exon 6 in the FLNC gene. This nucleotide position is highly conserved in available vertebrate species. In silico splice site analysis predicts that this alteration will weaken the native splice donor site. Based on the available evidence, the clinical significance of this variant remains unclear.

Labcorp Genetics (formerly Invitae), Labcorp
Classification: Uncertain significance for Distal myopathy with posterior leg and anterior hand involvement; Myofibrillar myopathy 5; Hypertrophic cardiomyopathy 26. Last evaluated: 2024-08-01. Review status: criteria provided, single submitter. Criteria: Invitae Variant Classification Sherloc (09022015). Collection method: clinical testing. Allele origin: germline.
Comment: This sequence change falls in intron 6 of the FLNC gene. It does not directly change the encoded amino acid sequence of the FLNC protein. It affects a nucleotide within the consensus splice site. This variant is not present in population databases (gnomAD no frequency). This variant has not been reported in the literature in individuals affected with FLNC-related conditions. ClinVar contains an entry for this variant (Variation ID: 2104062). Variants that disrupt the consensus splice site are a relatively common cause of aberrant splicing (PMID: 17576681, 9536098). Algorithms developed to predict the effect of sequence changes on RNA splicing suggest that this variant may disrupt the consensus splice site. In summary, the available evidence is currently insufficient to determine the role of this variant in disease. Therefore, it has been classified as a Variant of Uncertain Significance.

Literature cited by the submitters: PubMed 17576681 (cited by Labcorp Genetics (formerly Invitae), Labcorp); PubMed 9536098 (cited by Labcorp Genetics (formerly Invitae), Labcorp).